The following is an entry in ClinVar:

NM_000264.5(PTCH1):c.474G>A (p.Met158Ile)

Gene: PTCH1 (patched 1; minus strand). Cytogenetic location: 9q22.32.
Variant type: single nucleotide variant.
Coding change: c.474G>A on transcript NM_000264.5 (MANE Select); coding-DNA position 474, G replaced by A.
Protein change: p.Met158Ile; replaces methionine 158 with isoleucine.
Molecular consequence: missense variant. On other transcripts: non-coding transcript variant (1).
Genome position (GRCh38, 1-based): chr9:95,485,795, C>T on the plus strand (G>A on the coding strand, the complement: PTCH1 is on the minus strand). VCF-style: chr9-95485795-C-T. GRCh37 (hg19) VCF-style: chr9-98248077-C-T.
Other names: c.276G>A, p.Met92Ile (NM_001083602.3, NM_001354919.2); c.471G>A, p.Met157Ile (NM_001083603.3); c.21G>A, p.Met7Ile (NM_001083604.3, NM_001083605.3, NM_001083606.3 and 1 more transcripts); c.474G>A, p.Met158Ile (NM_001354918.2); short protein forms M157I, M7I, M158I, M92I.
Identifiers: ClinVar variation 2911747 (VCV002911747.4), dbSNP rs1841922178, ClinGen allele CA374117029.

ClinVar aggregate classification (germline): Uncertain significance. Review status: criteria provided, multiple submitters, no conflicts (2 of 4 stars). 2 submissions from 2 submitters: Uncertain significance (2). Last evaluated 2025-02-15.

Conditions:
Hereditary cancer-predisposing syndrome. Also called: Neoplastic Syndromes, Hereditary; Tumor predisposition; Hereditary neoplastic syndrome; Hereditary Cancer Syndrome. Identifiers: Orphanet 140162, MedGen C0027672, MeSH D009386, MONDO:0015356.
Gorlin syndrome. Also called: Basal cell nevus syndrome; Nevoid Basal Cell Carcinoma Syndrome. Identifiers: Orphanet 377, MedGen C0004779, MONDO:0007187.

Allele frequency attached by ClinVar (database versions not stated): TOPMed below 0.00001.

Submissions (2):

Ambry Genetics
Classification: Uncertain significance for Hereditary cancer-predisposing syndrome. Last evaluated: 2025-02-15. Review status: criteria provided, single submitter. Criteria: Ambry Variant Classification Scheme 2023. Collection method: clinical testing. Allele origin: germline.
Comment: The p.M158I variant (also known as c.474G>A), located in coding exon 3 of the PTCH1 gene, results from a G to A substitution at nucleotide position 474. The methionine at codon 158 is replaced by isoleucine, an amino acid with highly similar properties. This amino acid position is conserved. In addition, this alteration is predicted to be deleterious by in silico analysis. Based on the available evidence, the clinical significance of this variant remains unclear.

Labcorp Genetics (formerly Invitae), Labcorp
Classification: Uncertain significance for Gorlin syndrome. Last evaluated: 2024-02-09. Review status: criteria provided, single submitter. Criteria: Invitae Variant Classification Sherloc (09022015). Collection method: clinical testing. Allele origin: germline.
Comment: This sequence change replaces methionine, which is neutral and non-polar, with isoleucine, which is neutral and non-polar, at codon 158 of the PTCH1 protein (p.Met158Ile). This variant is not present in population databases (gnomAD no frequency). This variant has not been reported in the literature in individuals affected with PTCH1-related conditions. Advanced modeling of protein sequence and biophysical properties (such as structural, functional, and spatial information, amino acid conservation, physicochemical variation, residue mobility, and thermodynamic stability) performed at Invitae indicates that this missense variant is not expected to disrupt PTCH1 protein function with a negative predictive value of 95%. In summary, the available evidence is currently insufficient to determine the role of this variant in disease. Therefore, it has been classified as a Variant of Uncertain Significance.